The following is an entry in ClinVar:

NM_024529.5(CDC73):c.302A>G (p.Glu101Gly)

Gene: CDC73 (cell division cycle 73; plus strand). Cytogenetic location: 1q31.2.
Variant type: single nucleotide variant.
Coding change: c.302A>G on transcript NM_024529.5 (MANE Select); coding-DNA position 302, A replaced by G.
Protein change: p.Glu101Gly; replaces glutamic acid 101 with glycine.
Molecular consequence: missense variant.
Genome position (GRCh38, 1-based): chr1:193,130,238, A>G. VCF-style: chr1-193130238-A-G. GRCh37 (hg19) VCF-style: chr1-193099368-A-G.
Other names: short protein forms E101G.
Identifiers: ClinVar variation 4631491 (VCV004631491.1).

ClinVar aggregate classification (germline): Uncertain significance (1 of 4 stars; one submission).

Conditions:
Hereditary cancer-predisposing syndrome. Also called: Neoplastic Syndromes, Hereditary; Tumor predisposition; Hereditary Cancer Syndrome; Hereditary neoplastic syndrome. Identifiers: Orphanet 140162, MedGen C0027672, MeSH D009386, MONDO:0015356.

Submission:

Ambry Genetics
Classification: Uncertain significance for Hereditary cancer-predisposing syndrome. Last evaluated: 2025-09-27. Review status: criteria provided, single submitter. Criteria: Ambry Variant Classification Scheme 2023. Collection method: clinical testing. Allele origin: germline.
Comment: The p.E101G variant (also known as c.302A>G), located in coding exon 3 of the CDC73 gene, results from an A to G substitution at nucleotide position 302. The glutamic acid at codon 101 is replaced by glycine, an amino acid with similar properties. This amino acid position is conserved. In addition, the in silico prediction for this alteration is inconclusive. Based on the available evidence, the clinical significance of this variant remains unclear.